The following is an entry in ClinVar:

ClinVar aggregate classification (germline): Uncertain significance. Review status: criteria provided, multiple submitters, no conflicts (2 of 4 stars). 2 submissions from 2 submitters: Uncertain significance (2). Last evaluated 2025-01-06.

Submissions (2):

Labcorp Genetics (formerly Invitae), Labcorp
Classification: Uncertain significance. Last evaluated: 2025-01-06. Review status: criteria provided, single submitter. Criteria: Invitae Variant Classification Sherloc (09022015). Collection method: clinical testing. Allele origin: germline.
Comment: This sequence change replaces glutamine, which is neutral and polar, with proline, which is neutral and non-polar, at codon 125 of the OSBPL2 protein (p.Gln125Pro). This variant is not present in population databases (gnomAD no frequency). This variant has not been reported in the literature in individuals affected with OSBPL2-related conditions. ClinVar contains an entry for this variant (Variation ID: 1312857). An algorithm developed to predict the effect of missense changes on protein structure and function (PolyPhen-2) suggests that this variant is likely to be disruptive. In summary, the available evidence is currently insufficient to determine the role of this variant in disease. Therefore, it has been classified as a Variant of Uncertain Significance.

GeneDx
Classification: Uncertain significance. Last evaluated: 2020-07-01. Review status: criteria provided, single submitter. Criteria: GeneDx Variant Classification Process June 2021. Collection method: clinical testing. Allele origin: germline. Affected: yes.
Comment: Not observed in large population cohorts (Lek et al., 2016); In silico analysis supports that this missense variant does not alter protein structure/function; Has not been previously published as pathogenic or benign to our knowledge

NM_144498.4(OSBPL2):c.374A>C (p.Gln125Pro)

Gene: OSBPL2 (oxysterol binding protein like 2; plus strand). Cytogenetic location: 20q13.33.
Variant type: single nucleotide variant.
Coding change: c.374A>C on transcript NM_144498.4 (MANE Select); coding-DNA position 374, A replaced by C.
Protein change: p.Gln125Pro; replaces glutamine 125 with proline.
Molecular consequence: missense variant.
Genome position (GRCh38, 1-based): chr20:62,272,240, A>C. VCF-style: chr20-62272240-A-C. GRCh37 (hg19) VCF-style: chr20-60847296-A-C.
Other names: c.98A>C, p.Gln33Pro (NM_001278649.3, NM_001363878.2); c.338A>C, p.Gln113Pro (NM_014835.5); short protein forms Q113P, Q125P, Q33P.
Identifiers: ClinVar variation 1312857 (VCV001312857.6), dbSNP rs1982112233, ClinGen allele CA409539917.
Genomic context (GRCh38, chr20:62,272,240, plus strand): 5'-AGCGGATCACGGAGTACATGGAGCACGTGTACCTCATCCACAGGGCCTCCTGCCAGCCCC[A>C]GCCCCTGGAGAGGATGCAGGTGGGCCTTAGGGGTGCCAGGCAGGAGTTTGTCATGAAAGT-3'
Protein context (NP_653081.1, residues 115-135): YLIHRASCQP[Gln125Pro]PLERMQSVAA